The following is an entry in ClinVar:

ClinVar aggregate classification (germline): Uncertain significance. Review status: criteria provided, multiple submitters, no conflicts (2 of 4 stars). 4 submissions from 4 submitters: Uncertain significance (4). Last evaluated 2025-08-19.

Conditions:
Inborn genetic diseases. Identifiers: MedGen C0950123, MeSH D030342.
Xanthinuria type II. Also called: Xanthine dehydrogenase and aldehyde oxidase combined deficiency of; XDH and AOX dual deficiency. Identifiers: Orphanet 3467, Orphanet 93602, MedGen C1863688, MONDO:0011346, OMIM 603592.
Hereditary xanthinuria type 1 (XAN1). Identifiers: Orphanet 3467, Orphanet 93601, MedGen C0268118, MONDO:0010209, OMIM 278300.

Allele frequency attached by ClinVar (database versions not stated): TOPMed 0.00018; gnomAD 0.00019 and 0.00021; gnomAD exomes 0.00025; ExAC 0.00037; ESP Exome Variant Server 0.00046.
gnomAD v4.1: 410 of 1,614,090 alleles (0.025%); highest among the groups gnomAD compares: Non-Finnish European, 0.032%; no homozygotes.

Submissions (4):

Ambry Genetics
Classification: Uncertain significance for Inborn genetic diseases. Last evaluated: 2025-08-19. Review status: criteria provided, single submitter. Criteria: Ambry Variant Classification Scheme 2023. Collection method: clinical testing. Allele origin: germline.

Fulgent Genetics
Classification: Uncertain significance for Hereditary xanthinuria type 1. Last evaluated: 2024-04-16. Review status: criteria provided, single submitter. Criteria: ACMG Guidelines, 2015. Collection method: clinical testing. Allele origin: germline.

Labcorp Genetics (formerly Invitae), Labcorp
Classification: Uncertain significance for Xanthinuria type II. Last evaluated: 2021-08-31. Review status: criteria provided, single submitter. Criteria: Invitae Variant Classification Sherloc (09022015). Collection method: clinical testing. Allele origin: germline.
Comment: This sequence change replaces valine with leucine at codon 813 of the XDH protein (p.Val813Leu). The valine residue is highly conserved and there is a small physicochemical difference between valine and leucine. This variant is present in population databases (rs142951412, ExAC 0.07%). This variant has not been reported in the literature in individuals affected with XDH-related conditions. Algorithms developed to predict the effect of missense changes on protein structure and function are either unavailable or do not agree on the potential impact of this missense change (SIFT: "Deleterious"; PolyPhen-2: "Benign"; Align-GVGD: "Class C0"). In summary, the available evidence is currently insufficient to determine the role of this variant in disease. Therefore, it has been classified as a Variant of Uncertain Significance.

Illumina Laboratory Services, Illumina
Classification: Uncertain significance for Hereditary xanthinuria type 1. Last evaluated: 2018-01-13. Review status: criteria provided, single submitter. Criteria: ICSL Variant Classification Criteria 13 December 2019. Collection method: clinical testing. Allele origin: germline.

NM_000379.4(XDH):c.2437G>C (p.Val813Leu)

Gene: XDH (xanthine dehydrogenase; minus strand). Cytogenetic location: 2p23.1.
Variant type: single nucleotide variant.
Coding change: c.2437G>C on transcript NM_000379.4 (MANE Select); coding-DNA position 2437, G replaced by C.
Protein change: p.Val813Leu; replaces valine 813 with leucine.
Molecular consequence: missense variant.
Genome position (GRCh38, 1-based): chr2:31,365,995, C>G on the plus strand (G>C on the coding strand, the complement: XDH is on the minus strand). VCF-style: chr2-31365995-C-G. GRCh37 (hg19) VCF-style: chr2-31588861-C-G.
Other names: short protein forms V813L.
Identifiers: ClinVar variation 574241 (VCV000574241.15), dbSNP rs142951412, ClinGen allele CA1598834.